The following is an entry in ClinVar:

NM_000553.6(WRN):c.3659A>G (p.Lys1220Arg)

Gene: WRN (WRN RecQ like helicase; plus strand). Cytogenetic location: 8p12.
Variant type: single nucleotide variant.
Coding change: c.3659A>G on transcript NM_000553.6 (MANE Select); coding-DNA position 3659, A replaced by G.
Protein change: p.Lys1220Arg; replaces lysine 1220 with arginine.
Molecular consequence: missense variant.
Genome position (GRCh38, 1-based): chr8:31,150,427, A>G. VCF-style: chr8-31150427-A-G. GRCh37 (hg19) VCF-style: chr8-31007943-A-G.
Other names: short protein forms K1220R.
Identifiers: ClinVar variation 946831 (VCV000946831.2), dbSNP rs755045369, ClinGen allele CA174908142.
Genomic context (GRCh38, chr8:31,150,427, plus strand): 5'-GGATTGATGGTGTTTCTGAAGGCAAAGCTGCCATGTTGGCCCCTCTGTTGGAAGTCATCA[A>G]ACATTTCTGCCAAACAAATAGTGTTCAGGTAAAATACTGTGGTTTGCAGGAGCTCTTAGA-3'
Protein context (NP_000544.2, residues 1210-1230): AMLAPLLEVI[Lys1220Arg]HFCQTNSVQT

ClinVar aggregate classification (germline): Uncertain significance (1 of 4 stars; one submission).

Conditions:
Werner syndrome (WRN). Identifiers: Orphanet 902, MedGen C0043119, MONDO:0010196, OMIM 277700.

Allele frequency attached by ClinVar (database versions not stated): gnomAD exomes below 0.00001.
gnomAD v4.1: 3 of 1,614,162 alleles (0.00019%); highest among the groups gnomAD compares: East Asian, 0.0045%; no homozygotes.

Submission:

Labcorp Genetics (formerly Invitae), Labcorp
Classification: Uncertain significance for Werner syndrome. Last evaluated: 2019-05-21. Review status: criteria provided, single submitter. Criteria: Invitae Variant Classification Sherloc (09022015). Collection method: clinical testing. Allele origin: germline.
Comment: This sequence change replaces lysine with arginine at codon 1220 of the WRN protein (p.Lys1220Arg). The lysine residue is moderately conserved and there is a small physicochemical difference between lysine and arginine. This variant is not present in population databases (ExAC no frequency). This variant has not been reported in the literature in individuals with WRN-related conditions. Algorithms developed to predict the effect of missense changes on protein structure and function output the following: SIFT: Tolerated; PolyPhen-2: Benign; Align-GVGD: Class C0. The arginine amino acid residue is found in multiple mammalian species, suggesting that this missense change does not adversely affect protein function. These predictions have not been confirmed by published functional studies and their clinical significance is uncertain. In summary, the available evidence is currently insufficient to determine the role of this variant in disease. Therefore, it has been classified as a Variant of Uncertain Significance.